The following is an entry in ClinVar:

NM_052876.4(NACC1):c.1528T>C (p.Phe510Leu)

Gene: NACC1 (nucleus accumbens associated 1; plus strand). Cytogenetic location: 19p13.13.
Variant type: single nucleotide variant.
Coding change: c.1528T>C on transcript NM_052876.4 (MANE Select); coding-DNA position 1528, T replaced by C.
Protein change: p.Phe510Leu; replaces phenylalanine 510 with leucine.
Molecular consequence: missense variant.
Genome position (GRCh38, 1-based): chr19:13,138,350, T>C. VCF-style: chr19-13138350-T-C. GRCh37 (hg19) VCF-style: chr19-13249164-T-C.
Other names: short protein forms F510L.
Identifiers: ClinVar variation 2825240 (VCV002825240.3), dbSNP rs2513139773, ClinGen allele CA404330317.

ClinVar aggregate classification (germline): Uncertain significance (1 of 4 stars; one submission).

Submission:

Labcorp Genetics (formerly Invitae), Labcorp
Classification: Uncertain significance. Last evaluated: 2022-12-31. Review status: criteria provided, single submitter. Criteria: Invitae Variant Classification Sherloc (09022015). Collection method: clinical testing. Allele origin: germline.
Comment: This sequence change replaces phenylalanine, which is neutral and non-polar, with leucine, which is neutral and non-polar, at codon 510 of the NACC1 protein (p.Phe510Leu). In summary, the available evidence is currently insufficient to determine the role of this variant in disease. Therefore, it has been classified as a Variant of Uncertain Significance. Advanced modeling of protein sequence and biophysical properties (such as structural, functional, and spatial information, amino acid conservation, physicochemical variation, residue mobility, and thermodynamic stability) performed at Invitae indicates that this missense variant is not expected to disrupt NACC1 protein function. This variant has not been reported in the literature in individuals affected with NACC1-related conditions. This variant is not present in population databases (gnomAD no frequency).